The following is an entry in ClinVar:

ClinVar aggregate classification (germline): Pathogenic. Review status: criteria provided, multiple submitters, no conflicts (2 of 4 stars). 3 submissions from 3 submitters: Pathogenic (3). Last evaluated 2023-09-11.

Conditions:
Autosomal dominant nonsyndromic hearing loss 6 (LFSNHL). Also called: DEAFNESS, AUTOSOMAL DOMINANT 6; DEAFNESS, AUTOSOMAL DOMINANT 14; DEAFNESS, AUTOSOMAL DOMINANT 38; Autosomal dominant nonsyndromic deafness 6. Identifiers: Orphanet 90635, MedGen C1833021, MONDO:0010963, OMIM 600965.
Type 2 diabetes mellitus. Also called: Type II diabetes mellitus. Identifiers: MedGen C0011860, MeSH D003924, MONDO:0005148, OMIM 125853, HP:0005978.
Wolfram-like syndrome. Also called: HEARING LOSS, PROGRESSIVE, WITH OPTIC ATROPHY AND/OR IMPAIRED GLUCOSE REGULATION. Identifiers: Orphanet 411590, MedGen C3280358, MONDO:0013673, OMIM 614296.
Wolfram syndrome 1 (WFS1). Identifiers: Orphanet 3463, MedGen C4551693, MONDO:0009101, OMIM 222300.
Cataract 41 (CTRCT41). Also called: CATARACT 41, CONGENITAL NUCLEAR TYPE. Identifiers: Orphanet 91492, Orphanet 98991, Orphanet 98992, Orphanet 98995, MedGen C3805412, MONDO:0007287, OMIM 116400.

Allele frequency attached by ClinVar (database versions not stated): gnomAD 0.00002; TOPMed 0.00002.
gnomAD v4.1: 4 of 1,613,742 alleles (0.00025%); highest among the groups gnomAD compares: African/African-American, 0.0053%; no homozygotes.

Submissions (3):

Revvity Omics, Revvity
Classification: Pathogenic. Last evaluated: 2023-09-11. Review status: criteria provided, single submitter. Criteria: ACMG Guidelines, 2015. Collection method: clinical testing. Allele origin: germline.

Labcorp Genetics (formerly Invitae), Labcorp
Classification: Pathogenic. Last evaluated: 2023-05-10. Review status: criteria provided, single submitter. Criteria: Invitae Variant Classification Sherloc (09022015). Collection method: clinical testing. Allele origin: germline.
Comment: This variant is not present in population databases (gnomAD no frequency). For these reasons, this variant has been classified as Pathogenic. This variant disrupts a region of the WFS1 protein in which other variant(s) (p.Pro885Leu) have been determined to be pathogenic (PMID: 10521293, 28432734). This suggests that this is a clinically significant region of the protein, and that variants that disrupt it are likely to be disease-causing. ClinVar contains an entry for this variant (Variation ID: 1179097). This premature translational stop signal has been observed in individual(s) with Wolfram syndrome (PMID: 25211237). This sequence change creates a premature translational stop signal (p.Tyr652*) in the WFS1 gene. While this is not anticipated to result in nonsense mediated decay, it is expected to disrupt the last 239 amino acid(s) of the WFS1 protein.

Fulgent Genetics
Classification: Pathogenic for Cataract 41; Type 2 diabetes mellitus; Wolfram syndrome 1; Autosomal dominant nonsyndromic hearing loss 6; Wolfram-like syndrome. Last evaluated: 2021-06-30. Review status: criteria provided, single submitter. Criteria: ACMG Guidelines, 2015. Collection method: clinical testing. Allele origin: unknown.
Comment: This variant has been detected in individual(s) who were sent for testing of Renasight - kidney gene panel.

Literature cited by the submitters: PubMed 10521293 (cited by Labcorp Genetics (formerly Invitae), Labcorp); PubMed 28432734 (cited by Labcorp Genetics (formerly Invitae), Labcorp); PubMed 25211237 (cited by Labcorp Genetics (formerly Invitae), Labcorp).

NM_006005.3(WFS1):c.1956C>G (p.Tyr652Ter)

Gene: WFS1 (wolframin ER transmembrane glycoprotein; plus strand). Cytogenetic location: 4p16.1.
Variant type: single nucleotide variant.
Coding change: c.1956C>G on transcript NM_006005.3 (MANE Select); coding-DNA position 1956, C replaced by G.
Protein change: p.Tyr652Ter; replaces tyrosine 652 with a stop codon.
Molecular consequence: nonsense.
Genome position (GRCh38, 1-based): chr4:6,301,751, C>G. VCF-style: chr4-6301751-C-G. GRCh37 (hg19) VCF-style: chr4-6303478-C-G.
Other names: c.1956C>G, p.Tyr652Ter (NM_001145853.1); short protein forms Y652*.
Identifiers: ClinVar variation 1179097 (VCV001179097.6), dbSNP rs772357412, ClinGen allele CA356177173.